The following is an entry in ClinVar:

NM_004380.3(CREBBP):c.6855C>G (p.Pro2285=)

Gene: CREBBP (CREB binding lysine acetyltransferase; minus strand). Cytogenetic location: 16p13.3.
Variant type: single nucleotide variant.
Coding change: c.6855C>G on transcript NM_004380.3 (MANE Select); coding-DNA position 6855, C replaced by G.
Protein change: p.Pro2285=; no amino-acid change (proline 2285 retained).
Molecular consequence: synonymous variant.
Genome position (GRCh38, 1-based): chr16:3,728,192, G>C on the plus strand (C>G on the coding strand, the complement: CREBBP is on the minus strand). VCF-style: chr16-3728192-G-C. GRCh37 (hg19) VCF-style: chr16-3778193-G-C.
Other names: c.6741C>G, p.Pro2247= (NM_001079846.1); c.6855C>G (NM_004380.2).
Identifiers: ClinVar variation 2054318 (VCV002054318.6), dbSNP rs2051798266, ClinGen allele CA493393151.

ClinVar aggregate classification (germline): Likely benign. Review status: criteria provided, single submitter (1 of 4 stars). 2 submissions from 2 submitters: Likely benign (1). 1 of the submissions does not count toward it. Last evaluated 2022-06-17.

Conditions:
CREBBP-related disorder. Also called: CREBBP-related condition; CREBBP-related disorders.
Rubinstein-Taybi syndrome (RSTS). Identifiers: Orphanet 783, MedGen C0035934, MONDO:0019188.

Allele frequency attached by ClinVar (database versions not stated): TOPMed 0.00001.
gnomAD v4.1: 1 of 1,613,934 alleles (0.000062%); highest among the groups gnomAD compares: East Asian, 0.0022%; no homozygotes.

Submissions (2):

Labcorp Genetics (formerly Invitae), Labcorp
Classification: Likely benign for Rubinstein-Taybi syndrome. Last evaluated: 2022-06-17. Review status: criteria provided, single submitter. Criteria: Invitae Variant Classification Sherloc (09022015). Collection method: clinical testing. Allele origin: germline.

PreventionGenetics, part of Exact Sciences
Classification: Likely benign for CREBBP-related condition. Last evaluated: 2022-12-28. Review status: no assertion criteria provided. Collection method: clinical testing. Allele origin: germline. Not counted in ClinVar's aggregate classification.
Comment: This variant is classified as likely benign based on ACMG/AMP sequence variant interpretation guidelines (Richards et al. 2015 PMID: 25741868, with internal and published modifications).